The following is an entry in ClinVar:

NM_001365276.2(TNXB):c.7995G>A (p.Gly2665=)

Gene: TNXB (tenascin XB; minus strand). Cytogenetic location: 6p21.33.
Variant type: single nucleotide variant.
Coding change: c.7995G>A on transcript NM_001365276.2 (MANE Select); coding-DNA position 7995, G replaced by A.
Protein change: p.Gly2665=; no amino-acid change (glycine 2665 retained).
Molecular consequence: synonymous variant.
Genome position (GRCh38, 1-based): chr6:32,056,734, C>T on the plus strand (G>A on the coding strand, the complement: TNXB is on the minus strand). VCF-style: chr6-32056734-C-T. GRCh37 (hg19) VCF-style: chr6-32024511-C-T.
Other names: p.Gly2665=; c.7995G>A, p.Gly2665= (NM_019105.8).
Identifiers: ClinVar variation 1193624 (VCV001193624.28), dbSNP rs374115665, ClinGen allele CA3733996.
Genomic context (GRCh38, chr6:32,056,734, plus strand): 5'-GCCTGAGATGGTGACCCCGTCCTCGTGCCCCGGCACCCGCACCGCCTTGGGCTGCCCATC[C>T]CCATTCCTGTACTGGACCAGGAAGTGGTCAAACTGGCCCTCGGGAACCGTCCAGGACAGG-3'
Protein context (NP_001352205.1, residues 2655-2675): FDHFLVQYRN[Gly2665=]DGQPKAVRVP

ClinVar aggregate classification (germline): Benign/Likely benign. Review status: criteria provided, multiple submitters, no conflicts (2 of 4 stars). 8 submissions from 8 submitters: Benign (1); Likely benign (6). 1 of the submissions does not count toward it. Last evaluated 2026-07-01.

Conditions:
Cardiovascular phenotype. Identifiers: MedGen CN230736.
Ehlers-Danlos syndrome (EDS). Identifiers: Orphanet 98249, MedGen C0013720, MONDO:0020066.
TNXB-related disorder. Also called: TNXB-related condition.

Allele frequency attached by ClinVar (database versions not stated): ExAC 0.00019; gnomAD exomes 0.00022 and 0.00044; ESP Exome Variant Server 0.00027; gnomAD 0.00031; TOPMed 0.00041.
gnomAD v4.1: 682 of 1,613,166 alleles (0.042%); highest among the groups gnomAD compares: Middle Eastern, 0.15%; 1 homozygote.

Submissions (8):

CeGaT Center for Human Genetics Tuebingen
Classification: Likely benign. Last evaluated: 2026-07-01. Review status: criteria provided, single submitter. Criteria: CeGaT Center For Human Genetics Tuebingen Variant Classification Criteria Version 2. Collection method: clinical testing. Allele origin: germline. Affected: yes. Observed: 3 variant alleles.
Comment: TNXB: BP4, BP7

Labcorp Genetics (formerly Invitae), Labcorp
Classification: Benign. Last evaluated: 2026-01-20. Review status: criteria provided, single submitter. Criteria: Invitae Variant Classification Sherloc (09022015). Collection method: clinical testing. Allele origin: germline.

Mayo Clinic Laboratories, Mayo Clinic
Classification: Likely benign. Last evaluated: 2025-08-29. Review status: criteria provided, single submitter. Criteria: ACMG Guidelines, 2015. Collection method: clinical testing. Allele origin: germline. Observed: 3 variant alleles.
Comment: BS1, BP4, BP7

Women's Health and Genetics/Laboratory Corporation of America, LabCorp
Classification: Likely benign. Last evaluated: 2024-12-03. Review status: criteria provided, single submitter. Criteria: LabCorp Variant Classification Summary - May 2015. Collection method: clinical testing. Allele origin: germline.

Genome Diagnostics Laboratory, The Hospital for Sick Children
Classification: Likely benign for Ehlers-Danlos syndrome. Last evaluated: 2021-11-30. Review status: criteria provided, single submitter. Criteria: ACMG Guidelines, 2015. Collection method: clinical testing. Allele origin: germline.

GeneDx
Classification: Likely benign. Last evaluated: 2021-10-22. Review status: criteria provided, single submitter. Criteria: GeneDx Variant Classification Process June 2021. Collection method: clinical testing. Allele origin: germline. Affected: yes.

Ambry Genetics
Classification: Likely benign for Cardiovascular phenotype. Last evaluated: 2019-06-06. Review status: criteria provided, single submitter. Criteria: Ambry Variant Classification Scheme 2023. Collection method: clinical testing. Allele origin: germline.

PreventionGenetics, part of Exact Sciences
Classification: Likely benign for TNXB-related condition. Last evaluated: 2019-07-17. Review status: no assertion criteria provided. Collection method: clinical testing. Allele origin: germline. Not counted in ClinVar's aggregate classification.
Comment: This variant is classified as likely benign based on ACMG/AMP sequence variant interpretation guidelines (Richards et al. 2015 PMID: 25741868, with internal and published modifications).